The following is an entry in ClinVar:

NM_005751.5(AKAP9):c.9294T>G (p.His3098Gln)

Gene: AKAP9 (A-kinase anchoring protein 9; plus strand). Cytogenetic location: 7q21.2.
Variant type: single nucleotide variant.
Coding change: c.9294T>G on transcript NM_005751.5 (MANE Select); coding-DNA position 9294, T replaced by G.
Protein change: p.His3098Gln; replaces histidine 3098 with glutamine.
Molecular consequence: missense variant.
Genome position (GRCh38, 1-based): chr7:92,089,465, T>G. VCF-style: chr7-92089465-T-G. GRCh37 (hg19) VCF-style: chr7-91718779-T-G.
Other names: c.3939T>G, p.His1313Gln (NM_001379277.1); c.9270T>G, p.His3090Gln (NM_147185.3); short protein forms H1313Q, H3090Q, H3098Q.
Identifiers: ClinVar variation 3225112 (VCV003225112.1), dbSNP rs1295492727, ClinGen allele CA368144656.
Genomic context (GRCh38, chr7:92,089,465, plus strand): 5'-TATGGAATGCCTCCAGAAAGCAGATAGAAGGAGTTTGTTATCTGAAATTCAGGCACTGCA[T>G]GCACAAATGAATGGTAGGAAAATTACTCTGAAAAGAGAACAAGAGAGTGAGAAACCAAGC-3'
Protein context (NP_005742.4, residues 3088-3108): RSLLSEIQAL[His3098Gln]AQMNGRKITL

ClinVar aggregate classification (germline): Uncertain significance (1 of 4 stars; one submission).

Conditions:
Cardiovascular phenotype. Identifiers: MedGen CN230736.

Submission:

Ambry Genetics
Classification: Uncertain significance for Cardiovascular phenotype. Last evaluated: 2023-11-28. Review status: criteria provided, single submitter. Criteria: Ambry Variant Classification Scheme 2023. Collection method: clinical testing. Allele origin: germline.
Comment: The p.H3098Q variant (also known as c.9294T>G), located in coding exon 38 of the AKAP9 gene, results from a T to G substitution at nucleotide position 9294. The histidine at codon 3098 is replaced by glutamine, an amino acid with highly similar properties. This amino acid position is conserved. In addition, this alteration is predicted to be tolerated by in silico analysis. Since supporting evidence is limited at this time, the clinical significance of this alteration remains unclear.